The following is an entry in ClinVar:

ClinVar aggregate classification (germline): Uncertain significance. Review status: criteria provided, multiple submitters, no conflicts (2 of 4 stars). 2 submissions from 2 submitters: Uncertain significance (2). Last evaluated 2025-10-02.

Conditions:
Inborn genetic diseases. Identifiers: MedGen C0950123, MeSH D030342.

gnomAD v4.1: 11 of 1,596,076 alleles (0.00069%); highest among the groups gnomAD compares: Non-Finnish European, 0.00094%; no homozygotes.

Submissions (2):

Labcorp Genetics (formerly Invitae), Labcorp
Classification: Uncertain significance. Last evaluated: 2025-10-02. Review status: criteria provided, single submitter. Criteria: Invitae Variant Classification Sherloc (09022015). Collection method: clinical testing. Allele origin: germline.
Comment: This sequence change replaces tyrosine, which is neutral and polar, with serine, which is neutral and polar, at codon 799 of the TBC1D32 protein (p.Tyr799Ser). This variant is present in population databases (rs762503574, gnomAD 0.002%). This variant has not been reported in the literature in individuals affected with TBC1D32-related conditions. An algorithm developed to predict the effect of missense changes on protein structure and function outputs the following: PolyPhen-2: "Benign". The serine amino acid residue is found in multiple mammalian species, which suggests that this missense change does not adversely affect protein function. In summary, the available evidence is currently insufficient to determine the role of this variant in disease. Therefore, it has been classified as a Variant of Uncertain Significance.

Ambry Genetics
Classification: Uncertain significance for Inborn genetic diseases. Last evaluated: 2025-08-20. Review status: criteria provided, single submitter. Criteria: Ambry Variant Classification Scheme 2023. Collection method: clinical testing. Allele origin: germline.

NM_152730.6(TBC1D32):c.2396A>C (p.Tyr799Ser)

Gene: TBC1D32 (TBC1 domain family member 32; minus strand). Cytogenetic location: 6q22.31.
Variant type: single nucleotide variant.
Coding change: c.2396A>C on transcript NM_152730.6 (MANE Select); coding-DNA position 2396, A replaced by C.
Protein change: p.Tyr799Ser; replaces tyrosine 799 with serine.
Molecular consequence: missense variant. On other transcripts: non-coding transcript variant (1).
Genome position (GRCh38, 1-based): chr6:121,223,321, T>G on the plus strand (A>C on the coding strand, the complement: TBC1D32 is on the minus strand). VCF-style: chr6-121223321-T-G. GRCh37 (hg19) VCF-style: chr6-121544467-T-G.
Other names: c.2396A>C, p.Tyr799Ser (NM_001367759.1, NM_001367760.1); short protein forms Y799S.
Identifiers: ClinVar variation 4180879 (VCV004180879.2).